The following is an entry in ClinVar:

NM_000587.4(C7):c.2059C>T (p.Arg687Cys)

Gene: C7 (complement C7; plus strand). Cytogenetic location: 5p13.1.
Variant type: single nucleotide variant.
Coding change: c.2059C>T on transcript NM_000587.4 (MANE Select); coding-DNA position 2059, C replaced by T.
Protein change: p.Arg687Cys; replaces arginine 687 with cysteine.
Molecular consequence: missense variant.
Genome position (GRCh38, 1-based): chr5:40,972,579, C>T. VCF-style: chr5-40972579-C-T. GRCh37 (hg19) VCF-style: chr5-40972681-C-T.
Other names: short protein forms R687C.
Identifiers: ClinVar variation 2190865 (VCV002190865.3), dbSNP rs117487879, ClinGen allele CA3250179.

ClinVar aggregate classification (germline): Uncertain significance. Review status: criteria provided, multiple submitters, no conflicts (2 of 4 stars). 2 submissions from 2 submitters: Uncertain significance (2). Last evaluated 2026-01-30.

Allele frequency attached by ClinVar (database versions not stated): 1000 Genomes Project 30x 0.00016.
gnomAD v4.1: 48 of 1,600,304 alleles (0.003%); highest among the groups gnomAD compares: East Asian, 0.058%; no homozygotes.

Submissions (2):

Women's Health and Genetics/Laboratory Corporation of America, LabCorp
Classification: Uncertain significance. Last evaluated: 2026-01-30. Review status: criteria provided, single submitter. Criteria: LabCorp Variant Classification Summary - May 2015. Collection method: clinical testing. Allele origin: germline.
Comment: Variant summary: C7 c.2059C>T (p.Arg687Cys) results in a non-conservative amino acid change in the encoded protein sequence. Algorithms developed to predict the effect of missense changes on protein structure and function are either unavailable or do not agree on the potential impact of this missense change. The variant allele was found at a frequency of 7.6e-05 in 235930 control chromosomes. This frequency is not significantly higher than estimated for disease-causing variants in C7, allowing no conclusion about variant significance. To our knowledge, no occurrence of c.2059C>T in individuals affected with C7-related conditions and no experimental evidence demonstrating its impact on protein function have been reported. ClinVar contains an entry for this variant (Variation ID: 2190865). Based on the evidence outlined above, the variant was classified as uncertain significance.

Labcorp Genetics (formerly Invitae), Labcorp
Classification: Uncertain significance. Last evaluated: 2025-10-06. Review status: criteria provided, single submitter. Criteria: Invitae Variant Classification Sherloc (09022015). Collection method: clinical testing. Allele origin: germline.
Comment: This sequence change replaces arginine, which is basic and polar, with cysteine, which is neutral and slightly polar, at codon 687 of the C7 protein (p.Arg687Cys). This variant is present in population databases (rs117487879, gnomAD 0.05%). This variant has not been reported in the literature in individuals affected with C7-related conditions. ClinVar contains an entry for this variant (Variation ID: 2190865). Invitae Evidence Modeling of protein sequence and biophysical properties (such as structural, functional, and spatial information, amino acid conservation, physicochemical variation, residue mobility, and thermodynamic stability) indicates that this missense variant is not expected to disrupt C7 protein function with a negative predictive value of 80%. In summary, the available evidence is currently insufficient to determine the role of this variant in disease. Therefore, it has been classified as a Variant of Uncertain Significance.